The following is an entry in ClinVar:

NM_015346.4(ZFYVE26):c.1272-10T>C

Gene: ZFYVE26 (zinc finger FYVE-type containing 26; minus strand). Cytogenetic location: 14q24.1.
Variant type: single nucleotide variant.
Coding change: c.1272-10T>C on transcript NM_015346.4 (MANE Select); 10 bases into the intron before coding-DNA position 1272, T replaced by C.
Molecular consequence: intron variant.
Genome position (GRCh38, 1-based): chr14:67,804,274, A>G on the plus strand (T>C on the coding strand, the complement: ZFYVE26 is on the minus strand). VCF-style: chr14-67804274-A-G. GRCh37 (hg19) VCF-style: chr14-68270991-A-G.
Identifiers: ClinVar variation 888510 (VCV000888510.13), dbSNP rs773153713, ClinGen allele CA7240561.
Genomic context (GRCh38, chr14:67,804,274, plus strand): 5'-CTGTCTCCACCGTGTAAATGATACAACAGATCTCTCTTTGGTATGGGGTTGCTGAATGGA[A>G]AAGTTGGGAGGATGGAAGAGAGGCAGTTTATATTATTGCTCGAAGAAAGATCAATCTCCA-3'

ClinVar aggregate classification (germline): Conflicting classifications of pathogenicity. Review status: criteria provided, conflicting classifications (1 of 4 stars). 3 submissions from 3 submitters: Uncertain significance (2); Likely benign (1). Last evaluated 2023-10-23.

Conditions:
Spastic paraplegia. Identifiers: MedGen C0037772, HP:0001258.
Hereditary spastic paraplegia 15 (SPG15). Also called: SPASTIC PARAPLEGIA 15, AUTOSOMAL RECESSIVE; KJELLIN SYNDROME; SPASTIC PARAPLEGIA AND RETINAL DEGENERATION. Identifiers: Orphanet 100996, MedGen C1849128, MONDO:0010044, OMIM 270700.

Allele frequency attached by ClinVar (database versions not stated): ExAC 0.00001; gnomAD 0.00001.
gnomAD v4.1: 44 of 1,614,030 alleles (0.0027%); highest among the groups gnomAD compares: Non-Finnish European, 0.0036%; no homozygotes.

Submissions (3):

Labcorp Genetics (formerly Invitae), Labcorp
Classification: Likely benign for Spastic paraplegia. Last evaluated: 2023-10-23. Review status: criteria provided, single submitter. Criteria: Invitae Variant Classification Sherloc (09022015). Collection method: clinical testing. Allele origin: germline.

GeneDx
Classification: Uncertain significance. Last evaluated: 2022-04-13. Review status: criteria provided, single submitter. Criteria: GeneDx Variant Classification Process June 2021. Collection method: clinical testing. Allele origin: germline. Affected: yes.
Comment: Not observed at significant frequency in large population cohorts (gnomAD); In silico analysis supports that this variant does not alter splicing; Has not been previously published as pathogenic or benign to our knowledge

Illumina Laboratory Services, Illumina
Classification: Uncertain significance for Hereditary spastic paraplegia 15. Last evaluated: 2018-01-13. Review status: criteria provided, single submitter. Criteria: ICSL Variant Classification Criteria 13 December 2019. Collection method: clinical testing. Allele origin: germline.